The following is an entry in ClinVar:

ClinVar aggregate classification (germline): Uncertain significance (1 of 4 stars; one submission).

Allele frequency attached by ClinVar (database versions not stated): gnomAD exomes below 0.00001; gnomAD 0.00001.

Submission:

Labcorp Genetics (formerly Invitae), Labcorp
Classification: Uncertain significance. Last evaluated: 2022-06-22. Review status: criteria provided, single submitter. Criteria: Invitae Variant Classification Sherloc (09022015). Collection method: clinical testing. Allele origin: germline.
Comment: In summary, the available evidence is currently insufficient to determine the role of this variant in disease. Therefore, it has been classified as a Variant of Uncertain Significance. Experimental studies and prediction algorithms are not available or were not evaluated, and the functional significance of this variant is currently unknown. This variant has not been reported in the literature in individuals affected with DGKZ-related conditions. This variant is not present in population databases (gnomAD no frequency). This sequence change creates a premature translational stop signal (p.Ala171Argfs*3) in the DGKZ gene. It is expected to result in an absent or disrupted protein product. However, the current clinical and genetic evidence is not sufficient to establish whether loss-of-function variants in DGKZ cause disease.

NM_001199267.2(DGKZ):c.162-525_162-524del

Gene: DGKZ (diacylglycerol kinase zeta; plus strand). Cytogenetic location: 11p11.2.
Variant type: Deletion.
Coding change: c.162-525_162-524del on transcript NM_001199267.2 (MANE Select); 525 bases into the intron before coding-DNA position 162 through 524 bases into the intron before coding-DNA position 162, 2 bases deleted (TG; older notation c.162-525_162-524delTG).
Molecular consequence: intron variant. On other transcripts: frameshift variant (1).
Genome position (GRCh38, 1-based): chr11:46,366,766-46,366,767, TG deleted. VCF-style (leftmost placement, unchanged base first): chr11-46366765-ATG-A. GRCh37 (hg19) VCF-style: chr11-46388315-ATG-A.
Other names: c.510_511del, p.Ala171fs (NM_001105540.2); c.213-525_213-524del (NM_201532.3); c.177-525_177-524del (NM_201533.3); c.162-525_162-524del (NM_001199266.2, NM_003646.4, NM_001199268.2); short protein forms A171fs.
Identifiers: ClinVar variation 2009423 (VCV002009423.4), dbSNP rs1943331767, ClinGen allele CA937572870.